The following is an entry in ClinVar:

NM_001374385.1(ATP8B1):c.1804C>T (p.Arg602Ter)

Gene: ATP8B1 (ATPase phospholipid transporting 8B1; minus strand). Cytogenetic location: 18q21.31.
Variant type: single nucleotide variant.
Coding change: c.1804C>T on transcript NM_001374385.1 (MANE Select); coding-DNA position 1804, C replaced by T.
Protein change: p.Arg602Ter; replaces arginine 602 with a stop codon.
Molecular consequence: nonsense.
Genome position (GRCh38, 1-based): chr18:57,674,849, G>A on the plus strand (C>T on the coding strand, the complement: ATP8B1 is on the minus strand). VCF-style: chr18-57674849-G-A. GRCh37 (hg19) VCF-style: chr18-55342081-G-A.
Other names: c.1654C>T, p.Arg552Ter (NM_001374386.1); c.1804C>T, p.Arg602Ter (NM_005603.6); short protein forms R602*, R552*.
Identifiers: ClinVar variation 7274 (VCV000007274.11), dbSNP rs121909105, ClinGen allele CA254138.

ClinVar aggregate classification (germline): Pathogenic. Review status: criteria provided, multiple submitters, no conflicts (2 of 4 stars). 7 submissions from 7 submitters: Pathogenic (6). 1 of the submissions does not count toward it. Last evaluated 2026-04-14.

Conditions:
Familial intrahepatic cholestasis. Identifiers: Orphanet 284385, MedGen CN296401, MONDO:0017290.
Familial intrahepatic cholestasis type 1.
Benign recurrent intrahepatic cholestasis type 1. Also called: SUMMERSKILL SYNDROME; Mild-to-Moderate ATP8B1 Deficiency (Benign Recurrent Intrahepatic Cholestasis 1 [BRIC1]). Identifiers: Orphanet 65682, Orphanet 99960, MedGen C4551899, MONDO:0009469, OMIM 243300.
Progressive familial intrahepatic cholestasis type 1. Also called: BYLER DISEASE; Severe ATP8B1 Deficiency (Progressive Familial Intrahepatic Cholestasis Type 1 [PFIC1]); Byler's disease. Identifiers: Orphanet 79306, MedGen C4551898, MONDO:0008892, OMIM 211600.

Allele frequency attached by ClinVar (database versions not stated): gnomAD exomes below 0.00001; gnomAD 0.00001.
gnomAD v4.1: 6 of 1,613,946 alleles (0.00037%); highest among the groups gnomAD compares: East Asian, 0.0022%; no homozygotes.

Submissions (7):

Genomenon, Inc
Classification: Pathogenic for Familial intrahepatic cholestasis. Last evaluated: 2026-04-14. Review status: criteria provided, single submitter. Criteria: Genomenon Sequence Variant Interpretation Standards - Updated. Collection method: curation. Allele origin: germline. Affected: yes.
Comment: ATP8B1 p.Arg602Ter (c.1804C>T) is a nonsense variant that introduces a premature stop codon at amino acid position 602, creating a truncated protein that is predicted to undergo nonsense-mediated mRNA decay. This variant has been observed in at least one proband with features of ATP8B1-deficiency (PMID:40851490;37697751;35535061;15317749;15239083). The variant was found to segregate with disease in at least one affected family (PMID:15317749). It is absent or not present at a significant frequency in gnomAD. In conclusion, we classify ATP8B1 p.Arg602Ter (c.1804C>T) as a pathogenic variant.

Baylor Genetics
Classification: Pathogenic for Benign recurrent intrahepatic cholestasis type 1. Last evaluated: 2024-02-17. Review status: criteria provided, single submitter. Criteria: ACMG Guidelines, 2015. Collection method: clinical testing. Allele origin: unknown.

Labcorp Genetics (formerly Invitae), Labcorp
Classification: Pathogenic. Last evaluated: 2023-12-09. Review status: criteria provided, single submitter. Criteria: Invitae Variant Classification Sherloc (09022015). Collection method: clinical testing. Allele origin: germline.
Comment: This sequence change creates a premature translational stop signal (p.Arg602*) in the ATP8B1 gene. It is expected to result in an absent or disrupted protein product. Loss-of-function variants in ATP8B1 are known to be pathogenic (PMID: 15239083, 22525741). This variant is present in population databases (rs121909105, gnomAD 0.0009%). This premature translational stop signal has been observed in individual(s) with clinical features of progressive familial intrahepatic cholestasis (PMID: 15239083, 33666275). ClinVar contains an entry for this variant (Variation ID: 7274). For these reasons, this variant has been classified as Pathogenic.

MGZ Medical Genetics Center
Classification: Pathogenic for Progressive familial intrahepatic cholestasis type 1. Last evaluated: 2022-06-15. Review status: criteria provided, single submitter. Criteria: ACMG Guidelines, 2015. Collection method: clinical testing. Allele origin: germline. Affected: yes. Observed: 1 variant allele.
Comment: ACMG criteria applied: PVS1, PM3_STR, PM2_SUP, PP1

Rolfs Rare Disease Consulting, Rolfs Consulting Und Verwaltungs GmbH
Classification: Pathogenic for Progressive familial intrahepatic cholestasis type 1. Last evaluated: 2019-01-01. Review status: criteria provided, single submitter. Criteria: ACMG Guidelines, 2015. Collection method: clinical testing. Allele origin: germline. Affected: yes.

CENTOGENE GmbH and LLC - Guiding Precision Medicine
Classification: Pathogenic for Familial intrahepatic cholestasis type 1. Review status: criteria provided, single submitter. Criteria: ACMG Guidelines, 2015. Collection method: clinical testing. Allele origin: germline. Affected: yes.

OMIM
Classification: Pathogenic for CHOLESTASIS, PROGRESSIVE FAMILIAL INTRAHEPATIC, 1. Last evaluated: 2004-10-15. Review status: no assertion criteria provided. Collection method: literature only. Allele origin: germline. Not counted in ClinVar's aggregate classification.

Literature cited by the submitters: PubMed 40851490 (cited by Genomenon, Inc); PubMed 37697751 (cited by Genomenon, Inc); PubMed 35535061 (cited by Genomenon, Inc); PubMed 15317749 (cited by Genomenon, Inc and OMIM); PubMed 15239083 (cited by Genomenon, Inc and Labcorp Genetics (formerly Invitae), Labcorp); PubMed 22525741 (cited by Labcorp Genetics (formerly Invitae), Labcorp); PubMed 33666275 (cited by Labcorp Genetics (formerly Invitae), Labcorp).